The following is an entry in ClinVar:

NM_000062.3(SERPING1):c.1397G>C (p.Arg466Pro)

Gene: SERPING1 (serpin family G member 1; plus strand). Cytogenetic location: 11q12.1.
Variant type: single nucleotide variant.
Coding change: c.1397G>C on transcript NM_000062.3 (MANE Select); coding-DNA position 1397, G replaced by C.
Protein change: p.Arg466Pro; replaces arginine 466 with proline.
Molecular consequence: missense variant.
Genome position (GRCh38, 1-based): chr11:57,614,475, G>C. VCF-style: chr11-57614475-G-C. GRCh37 (hg19) VCF-style: chr11-57381948-G-C.
Other names: c.1397G>C, p.Arg466Pro (NM_001032295.2); short protein forms R466P.
Identifiers: ClinVar variation 426171 (VCV000426171.2), dbSNP rs121907948, ClinGen allele CA380690741.

ClinVar aggregate classification (germline): Pathogenic (1 of 4 stars; one submission).

Submission:

GeneDx
Classification: Pathogenic. Last evaluated: 2017-04-28. Review status: criteria provided, single submitter. Criteria: GeneDx Variant Classification (06012015). Collection method: clinical testing. Allele origin: germline. Affected: yes.
Comment: The R466P variant has been published previously as R444P in association with hereditary angioedema type II (Blanch et al., 2002). The variant is not observed in large population cohorts (Lek et al., 2016; 1000 Genomes Consortium et al., 2015; Exome Variant Server). R466P is a non-conservative amino acid substitution, which is likely to impact secondary protein structure as these residues differ in polarity, charge, size and/or other properties. This substitution occurs at a position that is conserved across species. The R466 residue is the P1 reactive site residue, and variants at this position interfere with normal protein function (Skriver et al., 1989). Additionally, tn silico analysis predicts this variant is probably damaging to the protein structure/function. Missense variants in the same residue (R466C/S/G/H/L) and in nearby residues (A461P/V, I462S, A465V, T467P) have been reported in the Human Gene Mutation Database in association with hereditary angioedema (Stenson et al., 2014), supporting the functional importance of this region of the protein. In summary, we consider this variant to be pathogenic.